The following is an entry in ClinVar:

ClinVar aggregate classification (germline): Pathogenic (1 of 4 stars; one submission).

Conditions:
Polyglucosan body myopathy type 1 (PGBM1). Also called: Polyglucosan body myopathy 1 with or without immunodeficiency; POLYGLUCOSAN BODY MYOPATHY WITHOUT IMMUNODEFICIENCY. Identifiers: Orphanet 329173, Orphanet 397937, MedGen C4014605, MONDO:0014389, OMIM 615895.

Submission:

Labcorp Genetics (formerly Invitae), Labcorp
Classification: Pathogenic for Polyglucosan body myopathy type 1. Last evaluated: 2019-07-19. Review status: criteria provided, single submitter. Criteria: Invitae Variant Classification Sherloc (09022015). Collection method: clinical testing. Allele origin: germline.
Comment: For these reasons, this variant has been classified as Pathogenic. Loss-of-function variants in RBCK1 are known to be pathogenic (PMID: 2379848, 23104095, 23889995). This variant has not been reported in the literature in individuals with RBCK1-related conditions. This variant is not present in population databases (ExAC no frequency). This sequence change creates a premature translational stop signal (p.Gln111*) in the RBCK1 gene. It is expected to result in an absent or disrupted protein product.

Literature cited by the submitters: PubMed 2379848; PubMed 23104095; PubMed 23889995.

NM_031229.4(RBCK1):c.331C>T (p.Gln111Ter)

Gene: RBCK1 (RANBP2-type and C3HC4-type zinc finger containing 1; plus strand). Cytogenetic location: 20p13.
Variant type: single nucleotide variant.
Coding change: c.331C>T on transcript NM_031229.4 (MANE Select); coding-DNA position 331, C replaced by T.
Protein change: p.Gln111Ter; replaces glutamine 111 with a stop codon.
Molecular consequence: nonsense. On other transcripts: 5 prime UTR variant (2), non-coding transcript variant (1).
Genome position (GRCh38, 1-based): chr20:417,801, C>T. VCF-style: chr20-417801-C-T. GRCh37 (hg19) VCF-style: chr20-398445-C-T.
Other names: c.-19C>T (NM_001323956.2, NM_001323958.2); c.205C>T, p.Gln69Ter (NM_006462.6); short protein forms Q111*, Q69*.
Identifiers: ClinVar variation 960184 (VCV000960184.7), dbSNP rs746197240, ClinGen allele CA407950196.